The following is an entry in ClinVar:

ClinVar aggregate classification (germline): Uncertain significance (1 of 4 stars; one submission).

Conditions:
Gorlin syndrome. Also called: Nevoid Basal Cell Carcinoma Syndrome; Basal cell nevus syndrome. Identifiers: Orphanet 377, MedGen C0004779, MONDO:0007187.

Allele frequency attached by ClinVar (database versions not stated): gnomAD 0.00001; gnomAD exomes 0.00001; ExAC 0.00002.

Submission:

Labcorp Genetics (formerly Invitae), Labcorp
Classification: Uncertain significance for Gorlin syndrome. Last evaluated: 2023-07-13. Review status: criteria provided, single submitter. Criteria: Invitae Variant Classification Sherloc (09022015). Collection method: clinical testing. Allele origin: germline.
Comment: Advanced modeling of protein sequence and biophysical properties (such as structural, functional, and spatial information, amino acid conservation, physicochemical variation, residue mobility, and thermodynamic stability) performed at Invitae indicates that this missense variant is not expected to disrupt PTCH2 protein function. ClinVar contains an entry for this variant (Variation ID: 1392780). This variant has not been reported in the literature in individuals affected with PTCH2-related conditions. The frequency data for this variant in the population databases is considered unreliable, as metrics indicate poor data quality at this position in the gnomAD database. This sequence change replaces alanine, which is neutral and non-polar, with valine, which is neutral and non-polar, at codon 937 of the PTCH2 protein (p.Ala937Val). In summary, the available evidence is currently insufficient to determine the role of this variant in disease. Therefore, it has been classified as a Variant of Uncertain Significance.

NM_003738.5(PTCH2):c.2810C>T (p.Ala937Val)

Gene: PTCH2 (patched 2; minus strand). Cytogenetic location: 1p34.1.
Variant type: single nucleotide variant.
Coding change: c.2810C>T on transcript NM_003738.5 (MANE Select); coding-DNA position 2810, C replaced by T.
Protein change: p.Ala937Val; replaces alanine 937 with valine.
Molecular consequence: missense variant.
Genome position (GRCh38, 1-based): chr1:44,826,654, G>A on the plus strand (C>T on the coding strand, the complement: PTCH2 is on the minus strand). VCF-style: chr1-44826654-G-A. GRCh37 (hg19) VCF-style: chr1-45292326-G-A.
Other names: c.2810C>T, p.Ala937Val (NM_001166292.2); short protein forms A937V.
Identifiers: ClinVar variation 1392780 (VCV001392780.8), dbSNP rs776549275, ClinGen allele CA822881.
Genomic context (GRCh38, chr1:44,826,654, plus strand): 5'-TACTGTTCCCAGAAGAGGAAGGGGGAGCCGCTGGGGTAGGCGTGCACCCCAGCCTGGCCG[G>A]CCTCTGCGCATGCTGCCCGGGCCCCCTCGATGGCCTCCACAAAGTCTGCAGTCTTCTGGA-3'
Protein context (NP_003729.3, residues 927-947): IEGARAACAE[Ala937Val]GQAGVHAYPS